The following is an entry in ClinVar:

NM_000368.5(TSC1):c.1988A>T (p.Glu663Val)

Gene: TSC1 (TSC complex subunit 1; minus strand). Cytogenetic location: 9q34.13.
Variant type: single nucleotide variant.
Coding change: c.1988A>T on transcript NM_000368.5 (MANE Select); coding-DNA position 1988, A replaced by T.
Protein change: p.Glu663Val; replaces glutamic acid 663 with valine.
Molecular consequence: missense variant.
Genome position (GRCh38, 1-based): chr9:132,905,590, T>A on the plus strand (A>T on the coding strand, the complement: TSC1 is on the minus strand). VCF-style: chr9-132905590-T-A. GRCh37 (hg19) VCF-style: chr9-135780977-T-A.
Other names: c.1985A>T, p.Glu662Val (NM_001162426.2); c.1835A>T, p.Glu612Val (NM_001162427.2); c.1625A>T, p.Glu542Val (NM_001362177.2); short protein forms E542V, E662V, E663V, E612V.
Identifiers: ClinVar variation 836707 (VCV000836707.15), dbSNP rs1845605103, ClinGen allele CA375362252.

ClinVar aggregate classification (germline): Uncertain significance. Review status: criteria provided, multiple submitters, no conflicts (2 of 4 stars). 4 submissions from 4 submitters: Uncertain significance (4). Last evaluated 2026-01-27.

Conditions:
Hereditary cancer-predisposing syndrome. Also called: Neoplastic Syndromes, Hereditary; Hereditary neoplastic syndrome; Tumor predisposition; Hereditary Cancer Syndrome. Identifiers: Orphanet 140162, MedGen C0027672, MeSH D009386, MONDO:0015356.
Lymphangiomyomatosis (LAM). Also called: Lymphangioleiomyomatosis, somatic; Lymphangioleiomyomatosis. Identifiers: Orphanet 538, MedGen C0751674, MONDO:0011705, OMIM 606690.
Isolated focal cortical dysplasia type II (FCORD2). Also called: CORTICAL DYSPLASIA OF TAYLOR; Focal cortical dysplasia type II. Identifiers: Orphanet 268994, MedGen C1846385, MONDO:0011818, OMIM 607341, HP:0032051.
Tuberous sclerosis 1 (TSC1). Identifiers: Orphanet 805, MedGen C1854465, MONDO:0008612, OMIM 191100.

Allele frequency attached by ClinVar (database versions not stated): gnomAD exomes below 0.00001.
gnomAD v4.1: 3 of 1,614,094 alleles (0.00019%); highest among the groups gnomAD compares: Non-Finnish European, 0.00025%; no homozygotes.

Submissions (4):

Labcorp Genetics (formerly Invitae), Labcorp
Classification: Uncertain significance for Tuberous sclerosis 1. Last evaluated: 2026-01-27. Review status: criteria provided, single submitter. Criteria: Invitae Variant Classification Sherloc (09022015). Collection method: clinical testing. Allele origin: germline.
Comment: This sequence change replaces glutamic acid, which is acidic and polar, with valine, which is neutral and non-polar, at codon 663 of the TSC1 protein (p.Glu663Val). This variant is not present in population databases (gnomAD no frequency). This variant has not been reported in the literature in individuals affected with TSC1-related conditions. ClinVar contains an entry for this variant (Variation ID: 836707). Invitae Evidence Modeling of protein sequence and biophysical properties (such as structural, functional, and spatial information, amino acid conservation, physicochemical variation, residue mobility, and thermodynamic stability) indicates that this missense variant is not expected to disrupt TSC1 protein function with a negative predictive value of 95%. RNA analysis performed to evaluate the impact of this missense change on mRNA splicing indicates it does not significantly alter splicing (internal data). In summary, the available evidence is currently insufficient to determine the role of this variant in disease. Therefore, it has been classified as a Variant of Uncertain Significance.

Ambry Genetics
Classification: Uncertain significance for Hereditary cancer-predisposing syndrome. Last evaluated: 2025-10-30. Review status: criteria provided, single submitter. Criteria: Ambry Variant Classification Scheme 2023. Collection method: clinical testing. Allele origin: germline.
Comment: The p.E663V variant (also known as c.1988A>T), located in coding exon 13 of the TSC1 gene, results from an A to T substitution at nucleotide position 1988. The glutamic acid at codon 663 is replaced by valine, an amino acid with dissimilar properties. This amino acid position is well conserved in available vertebrate species. In addition, this alteration is predicted to be tolerated by in silico analysis. Based on the available evidence, the clinical significance of this variant remains unclear.

Fulgent Genetics
Classification: Uncertain significance for Tuberous sclerosis 1; Lymphangiomyomatosis; Isolated focal cortical dysplasia type II. Last evaluated: 2022-01-28. Review status: criteria provided, single submitter. Criteria: ACMG Guidelines, 2015. Collection method: clinical testing. Allele origin: unknown.

GeneDx
Classification: Uncertain significance. Last evaluated: 2022-01-13. Review status: criteria provided, single submitter. Criteria: GeneDx Variant Classification Process June 2021. Collection method: clinical testing. Allele origin: germline. Affected: yes.
Comment: Not observed at significant frequency in large population cohorts (gnomAD); In silico analysis supports a deleterious effect on splicing; In silico analysis supports that this missense variant does not alter protein structure/function; Has not been previously published as pathogenic or benign to our knowledge